The following is an entry in ClinVar:

NM_000059.4(BRCA2):c.5970T>A (p.Asp1990Glu)

Gene: BRCA2 (BRCA2 DNA repair associated; plus strand). Cytogenetic location: 13q13.1.
Variant type: single nucleotide variant.
Coding change: c.5970T>A on transcript NM_000059.4 (MANE Select); coding-DNA position 5970, T replaced by A.
Protein change: p.Asp1990Glu; replaces aspartic acid 1990 with glutamic acid.
Molecular consequence: missense variant. On other transcripts: non-coding transcript variant (1), intron variant (2).
Genome position (GRCh38, 1-based): chr13:32,340,325, T>A. VCF-style: chr13-32340325-T-A. GRCh37 (hg19) VCF-style: chr13-32914462-T-A.
Other names: c.5970T>A, p.Asp1990Glu (NM_001406719.1, NM_001406720.1); c.1910-4233T>A (NM_001406721.1); c.425-4233T>A (NM_001406722.1); short protein forms D1990E.
Identifiers: ClinVar variation 3261650 (VCV003261650.3).

ClinVar aggregate classification (germline): Uncertain significance. Review status: criteria provided, multiple submitters, no conflicts (2 of 4 stars). 2 submissions from 2 submitters: Uncertain significance (2). Last evaluated 2025-11-13.

Conditions:
Hereditary breast ovarian cancer syndrome. Also called: Hereditary breast and ovarian cancer; Hereditary breast and ovarian cancer syndrome (HBOC); BRCA1- and BRCA2-Associated Hereditary Breast and Ovarian Cancer; Hereditary breast and ovarian cancer syndrome; Hereditary breast and/or ovarian cancer syndrome; Breast and ovarian cancer. Identifiers: Orphanet 145, MedGen C0677776, MeSH D061325, MONDO:0003582. Disease mechanism: loss of function.
Hereditary cancer-predisposing syndrome. Also called: Hereditary Cancer Syndrome; Tumor predisposition; Hereditary neoplastic syndrome; Neoplastic Syndromes, Hereditary. Identifiers: Orphanet 140162, MedGen C0027672, MeSH D009386, MONDO:0015356.

Submissions (2):

Labcorp Genetics (formerly Invitae), Labcorp
Classification: Uncertain significance for Hereditary breast ovarian cancer syndrome. Last evaluated: 2025-11-13. Review status: criteria provided, single submitter. Criteria: Invitae Variant Classification Sherloc (09022015). Collection method: clinical testing. Allele origin: germline.
Comment: This sequence change replaces aspartic acid, which is acidic and polar, with glutamic acid, which is acidic and polar, at codon 1990 of the BRCA2 protein (p.Asp1990Glu). This variant is not present in population databases (gnomAD no frequency). This variant has not been reported in the literature in individuals affected with BRCA2-related conditions. ClinVar contains an entry for this variant (Variation ID: 3261650). Invitae Evidence Modeling of protein sequence and biophysical properties (such as structural, functional, and spatial information, amino acid conservation, physicochemical variation, residue mobility, and thermodynamic stability) indicates that this missense variant is not expected to disrupt BRCA2 protein function with a negative predictive value of 95%. In summary, the available evidence is currently insufficient to determine the role of this variant in disease. Therefore, it has been classified as a Variant of Uncertain Significance.

Ambry Genetics
Classification: Uncertain significance for Hereditary cancer-predisposing syndrome. Last evaluated: 2024-06-18. Review status: criteria provided, single submitter. Criteria: Ambry Variant Classification Scheme 2023. Collection method: clinical testing. Allele origin: germline.
Comment: The p.D1990E variant (also known as c.5970T>A), located in coding exon 10 of the BRCA2 gene, results from a T to A substitution at nucleotide position 5970. The aspartic acid at codon 1990 is replaced by glutamic acid, an amino acid with highly similar properties. This amino acid position is not well conserved in available vertebrate species. In addition, this alteration is predicted to be tolerated by in silico analysis. Based on the available evidence, the clinical significance of this variant remains unclear.